The following is an entry in ClinVar:

ClinVar aggregate classification (germline): Likely benign (0 of 4 stars; one submission).

Conditions:
CACNA2D3-related disorder. Also called: CACNA2D3-related condition.

Allele frequency attached by ClinVar (database versions not stated): 1000 Genomes Project 0.00140; 1000 Genomes Project 30x 0.00172; TOPMed 0.00431; gnomAD 0.00441; ESP Exome Variant Server 0.00518; gnomAD exomes 0.00584; ExAC 0.00667.
gnomAD v4.1: 9,176 of 1,605,322 alleles (0.57%); highest among the groups gnomAD compares: Non-Finnish European, 0.67%; 52 homozygotes.

Submission:

PreventionGenetics, part of Exact Sciences
Classification: Likely benign for CACNA2D3-related condition. Last evaluated: 2019-12-20. Review status: no assertion criteria provided. Collection method: clinical testing. Allele origin: germline.
Comment: This variant is classified as likely benign based on ACMG/AMP sequence variant interpretation guidelines (Richards et al. 2015 PMID: 25741868, with internal and published modifications).

NM_018398.3(CACNA2D3):c.2426A>G (p.Glu809Gly)

Genes: CACNA2D3 (calcium voltage-gated channel auxiliary subunit alpha2delta 3; plus strand), CACNA2D3-AS1 (CACNA2D3 antisense RNA 1; minus strand). Cytogenetic location: 3p14.3.
Variant type: single nucleotide variant.
Coding change: c.2426A>G on transcript NM_018398.3 (MANE Select); coding-DNA position 2426, A replaced by G.
Protein change: p.Glu809Gly; replaces glutamic acid 809 with glycine.
Molecular consequence: missense variant.
Genome position (GRCh38, 1-based): chr3:54,899,845, A>G. VCF-style: chr3-54899845-A-G. GRCh37 (hg19) VCF-style: chr3-54933872-A-G.
Other names: short protein forms E809G.
Identifiers: ClinVar variation 3038777 (VCV003038777.2), dbSNP rs41277457, ClinGen allele CA2458208.